The following is an entry in ClinVar:

ClinVar aggregate classification (germline): Conflicting classifications of pathogenicity. Review status: criteria provided, conflicting classifications (1 of 4 stars). 5 submissions from 5 submitters: Uncertain significance (2); Likely benign (1). 2 of the submissions do not count toward it. Last evaluated 2024-12-02.

Conditions:
Cardiomyopathy (CMYO). Also called: Cardiomyopathies. Identifiers: Orphanet 167848, MedGen C0878544, MONDO:0004994, HP:0001638. Inheritance: Various modes of inheritance.
Catecholaminergic polymorphic ventricular tachycardia 1. Also called: VENTRICULAR TACHYCARDIA, CATECHOLAMINERGIC POLYMORPHIC, 1, WITH OR WITHOUT ATRIAL DYSFUNCTION AND/OR DILATED CARDIOMYOPATHY; VENTRICULAR TACHYCARDIA, STRESS-INDUCED POLYMORPHIC 1; RYR2-Related Catecholaminergic Polymorphic Ventricular Tachycardia. Identifiers: Orphanet 3286, MedGen C1631597, MONDO:0011484, OMIM 604772.
Catecholaminergic polymorphic ventricular tachycardia (CVPT). Also called: Catecholamine-induced polymorphic ventricular tachycardia. Identifiers: Orphanet 3286, MedGen C5574922, MONDO:0017990.

Allele frequency attached by ClinVar (database versions not stated): gnomAD 0.00001 and 0.00003; TOPMed 0.00002; gnomAD exomes 0.00003; ExAC 0.00004; ESP Exome Variant Server 0.00008; 1000 Genomes Project 30x 0.00016; 1000 Genomes Project 0.00020.
gnomAD v4.1: 44 of 1,613,886 alleles (0.0027%); highest among the groups gnomAD compares: Middle Eastern, 0.017%; no homozygotes.

Submissions (5):

Labcorp Genetics (formerly Invitae), Labcorp
Classification: Likely benign for Catecholaminergic polymorphic ventricular tachycardia 1. Last evaluated: 2024-12-02. Review status: criteria provided, single submitter. Criteria: Invitae Variant Classification Sherloc (09022015). Collection method: clinical testing. Allele origin: germline.

All of Us Research Program, National Institutes of Health
Classification: Uncertain significance for Catecholaminergic polymorphic ventricular tachycardia. Last evaluated: 2024-05-30. Review status: criteria provided, single submitter. Criteria: ACMG Guidelines, 2015. Collection method: clinical testing. Allele origin: germline. Inheritance: Autosomal dominant inheritance. Observed: 7 variant alleles, 7 heterozygotes.
Comment: This missense variant replaces valine with isoleucine at codon 663 of the RYR2 protein. Computational prediction suggests that this variant may not impact protein structure and function (internally defined REVEL score threshold <= 0.5, PMID: 27666373). To our knowledge, functional studies have not been reported for this variant. This variant has not been reported in individuals affected with cardiovascular disorders in the literature. This variant has been identified in 8/248990 chromosomes in the general population by the Genome Aggregation Database (gnomAD). The available evidence is insufficient to determine the role of this variant in disease conclusively. Therefore, this variant is classified as a Variant of Uncertain Significance.

This study involves interpretation of variants in research participants for the purpose of population health screening. Participant phenotype was not available at the time of variant classification. Additional details can be found in publication PMID: 35346344, PMCID: PMC8962531

Color Diagnostics, LLC DBA Color Health
Classification: Uncertain significance for Cardiomyopathy. Last evaluated: 2024-05-14. Review status: criteria provided, single submitter. Criteria: ACMG Guidelines, 2015. Collection method: clinical testing. Allele origin: germline.
Comment: This missense variant replaces valine with isoleucine at codon 663 of the RYR2 protein. Computational prediction suggests that this variant may not impact protein structure and function (internally defined REVEL score threshold <= 0.5, PMID: 27666373). To our knowledge, functional studies have not been reported for this variant. This variant has not been reported in individuals affected with RYR2-related disorders in the literature. This variant has been identified in 8/248990 chromosomes in the general population by the Genome Aggregation Database (gnomAD). The available evidence is insufficient to determine the role of this variant in disease conclusively. Therefore, this variant is classified as a Variant of Uncertain Significance.

Clinical Genetics DNA and cytogenetics Diagnostics Lab, Erasmus MC, Erasmus Medical Center
Classification: Likely benign. Review status: no assertion criteria provided. Collection method: clinical testing. Allele origin: germline. Affected: yes. Study: VKGL Data-share Consensus. Not counted in ClinVar's aggregate classification.

Clinical Genetics, Academic Medical Center
Classification: Likely benign. Review status: no assertion criteria provided. Collection method: clinical testing. Allele origin: germline. Affected: yes. Study: VKGL Data-share Consensus. Not counted in ClinVar's aggregate classification.

NM_001035.3(RYR2):c.1987G>A (p.Val663Ile)

Gene: RYR2 (ryanodine receptor 2; plus strand). Cytogenetic location: 1q43.
Variant type: single nucleotide variant.
Coding change: c.1987G>A on transcript NM_001035.3 (MANE Select); coding-DNA position 1987, G replaced by A.
Protein change: p.Val663Ile; replaces valine 663 with isoleucine.
Molecular consequence: missense variant.
Genome position (GRCh38, 1-based): chr1:237,496,536, G>A. VCF-style: chr1-237496536-G-A. GRCh37 (hg19) VCF-style: chr1-237659836-G-A.
Other names: short protein forms V663I.
Identifiers: ClinVar variation 928176 (VCV000928176.17), dbSNP rs374277541, ClinGen allele CA085940.